The following is an entry in ClinVar:

NM_006648.4(WNK2):c.6179C>T (p.Ala2060Val)

Gene: WNK2 (WNK lysine deficient protein kinase 2; plus strand). Cytogenetic location: 9q22.31.
Variant type: single nucleotide variant.
Coding change: c.6179C>T on transcript NM_006648.4 (MANE Select); coding-DNA position 6179, C replaced by T.
Protein change: p.Ala2060Val; replaces alanine 2060 with valine.
Molecular consequence: missense variant.
Genome position (GRCh38, 1-based): chr9:93,300,114, C>T. VCF-style: chr9-93300114-C-T. GRCh37 (hg19) VCF-style: chr9-96062396-C-T.
Other names: c.6290C>T, p.Ala2097Val (NM_001282394.3); short protein forms A2060V, A2097V.
Identifiers: ClinVar variation 4826233 (VCV004826233.1).

ClinVar aggregate classification (germline): Uncertain significance (1 of 4 stars; one submission).

Submission:

Ambry Genetics
Classification: Uncertain significance. Last evaluated: 2026-03-03. Review status: criteria provided, single submitter. Criteria: Ambry Variant Classification Scheme 2023. Collection method: clinical testing. Allele origin: germline.
Comment: The p.A2060V variant (also known as c.6179C>T), located in coding exon 25 of the WNK2 gene, results from a C to T substitution at nucleotide position 6179. The alanine at codon 2060 is replaced by valine, an amino acid with similar properties. This amino acid position is conserved. In addition, the in silico prediction for this alteration is inconclusive. Based on the available evidence, the clinical significance of this variant remains unclear.